The following is an entry in ClinVar:

ClinVar aggregate classification (germline): Uncertain significance. Review status: criteria provided, multiple submitters, no conflicts (2 of 4 stars). 3 submissions from 3 submitters: Uncertain significance (3). Last evaluated 2025-04-27.

Conditions:
Neuropathy, hereditary sensory, type 2C. Also called: KIF1A-Related HSAN2 (HSAN2C); Hereditary sensory and autonomic neuropathy type IIC. Identifiers: Orphanet 970, MedGen C3280168, MONDO:0013634, OMIM 614213.
Spastic paraplegia 30B, autosomal recessive. Identifiers: MedGen C5935571, MONDO:0971149, OMIM 620607.
Intellectual disability, autosomal dominant 9 (NESCAVS). Also called: NESCAV SYNDROME; KIF1A-Related Neurodevelopmental Disorder. Identifiers: Orphanet 662367, MedGen C5393830, MONDO:0013656, OMIM 614255.
Spastic paraplegia 30A, autosomal dominant. Identifiers: MedGen CN380650, MONDO:0700307, OMIM 610357.

gnomAD v4.1: 1 of 1,573,408 alleles (0.000064%); highest among the groups gnomAD compares: Admixed American, 0.0018%; no homozygotes.

Submissions (3):

GeneDx
Classification: Uncertain significance. Last evaluated: 2025-04-27. Review status: criteria provided, single submitter. Criteria: GeneDx Variant Classification Process June 2021. Collection method: clinical testing. Allele origin: germline. Affected: yes.
Comment: Not observed at significant frequency in large population cohorts (gnomAD); In silico analysis supports that this missense variant has a deleterious effect on protein structure/function; Has not been previously published as pathogenic or benign to our knowledge; This variant is associated with the following publications: (PMID: 21376300, 21820098, 26125038)

Victorian Clinical Genetics Services, Murdoch Childrens Research Institute
Classification: Uncertain significance for Neuropathy, hereditary sensory, type 2C. Last evaluated: 2020-05-04. Review status: criteria provided, single submitter. Criteria: ACMG Guidelines, 2015. Collection method: clinical testing. Allele origin: germline. Affected: yes.
Comment: Based on the classification scheme VCGS_Germline_v1.1.1, this variant is classified as VUS – 3A. Following criteria are met: 0103 - Both loss- and gain-of-function are known mechanisms of disease for this gene. (N) 0104 - Dominant Negative is a mechanism of disease for this gene. (N) 0108 - This gene is known to be associated with both recessive and dominant disease. (N) 0200 - Variant is predicted to result in a missense amino acid change from arginine to cysteine (exon 8). (N) 0251 - Variant is heterozygous. (N) 0301 - Variant is absent from gnomAD. (P) 0501 - Missense variant consistently predicted to be damaging by multiple in-silico tools or highly conserved with a major amino acid change. (P) 0601 - Variant affects at least one well-established (essential) functional domain or motif. (Kinesin motor domain, Cheon, C. K., et al. (2017)). (P) 0705 - No comparable variants have previous evidence for pathogenicity. (N) 0807 - Variant has not previously been reported in a clinical context. (N) 0905 - No segregation evidence has been identified for this variant. (N) 1007 - No published functional evidence has been identified for this variant. (N) 1208 - Inheritance information for this variant is not currently available. (N) Legend: (P) - Pathogenic, (N) - Neutral, (B) - Benign

Juno Genomics, Hangzhou Juno Genomics, Inc
Classification: Uncertain significance for Intellectual disability, autosomal dominant 9; Neuropathy, hereditary sensory, type 2C; Spastic paraplegia 30A, autosomal dominant; Spastic paraplegia 30B, autosomal recessive. Review status: criteria provided, single submitter. Criteria: ACMG Guidelines, 2015. Collection method: clinical testing. Allele origin: germline.
Comment: Absent from controls (or at extremely low frequency if recessive) in Genome Aggregation Database.;Missense variant in a gene that has a low rate of benign missense variation.;Located in a mutational hot spot and/or critical and well-established functional domain without benign variation.

Literature cited by the submitters: PubMed 28970574 (cited by Victorian Clinical Genetics Services, Murdoch Childrens Research Institute).

NM_001244008.2(KIF1A):c.790C>T (p.Arg264Cys)

Gene: KIF1A (kinesin family member 1A; minus strand). Cytogenetic location: 2q37.3.
Variant type: single nucleotide variant.
Coding change: c.790C>T on transcript NM_001244008.2 (MANE Select); coding-DNA position 790, C replaced by T.
Protein change: p.Arg264Cys; replaces arginine 264 with cysteine.
Molecular consequence: missense variant.
Genome position (GRCh38, 1-based): chr2:240,783,747, G>A on the plus strand (C>T on the coding strand, the complement: KIF1A is on the minus strand). VCF-style: chr2-240783747-G-A. GRCh37 (hg19) VCF-style: chr2-241723164-G-A.
Other names: c.790C>T, p.Arg264Cys (NM_001379635.1, NM_001379636.1, NM_001379637.1 and 20 more transcripts); c.790C>T (NM_004321.6); short protein forms R264C.
Identifiers: ClinVar variation 3377469 (VCV003377469.4).
Genomic context (GRCh38, chr2:240,783,747, plus strand): 5'-TGGAGCAGGCCAAATGTGGACACGGGTCCCCGCATGGCGGCCTGGCCCCTACCTTGAGGC[G>A]CGTGCCCTTGGCTCCCGTGGAGTCAGCCCGCTCGCTCCCAGCCAGGTCCACCAGGCTGAT-3'
Protein context (NP_001230937.1, residues 254-274): RADSTGAKGT[Arg264Cys]LKEGANINKS